The following is an entry in ClinVar:

ClinVar aggregate classification (germline): Uncertain significance (1 of 4 stars; one submission).

Submission:

GeneDx
Classification: Uncertain significance. Last evaluated: 2026-01-30. Review status: criteria provided, single submitter. Criteria: GeneDx Variant Classification Process June 2021. Collection method: clinical testing. Allele origin: germline.
Comment: Not observed at significant frequency in large population cohorts (gnomAD); In silico analysis supports that this missense variant has a deleterious effect on protein structure/function; Has not been previously published as pathogenic or benign to our knowledge

NM_001256071.3(RNF213):c.5184G>A (p.Met1728Ile)

Gene: RNF213 (ring finger protein 213; plus strand). Cytogenetic location: 17q25.3.
Variant type: single nucleotide variant.
Coding change: c.5184G>A on transcript NM_001256071.3 (MANE Select); coding-DNA position 5184, G replaced by A.
Protein change: p.Met1728Ile; replaces methionine 1728 with isoleucine.
Molecular consequence: missense variant.
Genome position (GRCh38, 1-based): chr17:80,339,551, G>A. VCF-style: chr17-80339551-G-A. GRCh37 (hg19) VCF-style: chr17-78313351-G-A.
Other names: c.5331G>A, p.Met1777Ile (NM_001410195.1, NM_020914.5); short protein forms M1728I, M1777I.
Identifiers: ClinVar variation 4975466 (VCV004975466.1).